The following is an entry in ClinVar:

NM_000396.4(CTSK):c.755G>A (p.Ser252Asn)

Gene: CTSK (cathepsin K; minus strand). Cytogenetic location: 1q21.3.
Variant type: single nucleotide variant.
Coding change: c.755G>A on transcript NM_000396.4 (MANE Select); coding-DNA position 755, G replaced by A.
Protein change: p.Ser252Asn; replaces serine 252 with asparagine.
Molecular consequence: missense variant.
Genome position (GRCh38, 1-based): chr1:150,799,573, C>T on the plus strand (G>A on the coding strand, the complement: CTSK is on the minus strand). VCF-style: chr1-150799573-C-T. GRCh37 (hg19) VCF-style: chr1-150772049-C-T.
Other names: short protein forms S252N.
Identifiers: ClinVar variation 3385036 (VCV003385036.1).

ClinVar aggregate classification (germline): Uncertain significance (1 of 4 stars; one submission).

gnomAD v4.1: 1 of 1,614,228 alleles (0.000062%); highest among the groups gnomAD compares: East Asian, 0.0022%; no homozygotes.

Submission:

Women's Health and Genetics/Laboratory Corporation of America, LabCorp
Classification: Uncertain significance. Last evaluated: 2024-10-01. Review status: criteria provided, single submitter. Criteria: LabCorp Variant Classification Summary - May 2015. Collection method: clinical testing. Allele origin: germline.
Comment: Variant summary: CTSK c.755G>A (p.Ser252Asn) results in a conservative amino acid change located in the peptidase C1A, papain C-terminal domain of the encoded protein sequence. Three of five in-silico tools predict a benign effect of the variant on protein function. The variant was absent in 251462 control chromosomes. The available data on variant occurrences in the general population are insufficient to allow any conclusion about variant significance. c.755G>A has been reported in the literature in a compound heterozygous individual affected with Pyknodysostosis (e.g., Song_2017, Kim_2021). These data do not allow any conclusion about variant significance. To our knowledge, no experimental evidence demonstrating an impact on protein function has been reported. The following publications have been ascertained in the context of this evaluation (PMID: 34122524, 28328823). No submitters have cited clinical-significance assessments for this variant to ClinVar. Based on the evidence outlined above, the variant was classified as uncertain significance.

Literature cited by the submitters: PubMed 34122524; PubMed 28328823.